The following is an entry in ClinVar:

ClinVar aggregate classification (germline): Uncertain significance (1 of 4 stars; one submission).

Conditions:
Epidermolysis bullosa simplex 5B, with muscular dystrophy (EBS5B). Also called: Epidermolysis bullosa simplex with muscular dystrophy; EPIDERMOLYSIS BULLOSA SIMPLEX AND LIMB-GIRDLE MUSCULAR DYSTROPHY. Identifiers: Orphanet 257, MedGen C2931072, MONDO:0009181, OMIM 226670.
Epidermolysis bullosa simplex, Ogna type (EBS5A). Also called: Pidermolysis bullosa simplex 5A, Ogna type; EPIDERMOLYSIS BULLOSA SIMPLEX 5A, OGNA TYPE. Identifiers: Orphanet 79401, MedGen C0432317, MONDO:0007555, OMIM 131950.
Epidermolysis bullosa simplex 5C, with pyloric atresia (EBS5C). Also called: PLEC-Related Epidermolysis Bullosa with Pyloric Atresia; Epidermolysis bullosa simplex with pyloric atresia; PLEC1-Related Epidermolysis Bullosa with Pyloric Atresia. Identifiers: Orphanet 158684, MedGen C2677349, MONDO:0012807, OMIM 612138.
Autosomal recessive limb-girdle muscular dystrophy type 2Q (LGMDR17). Also called: MUSCULAR DYSTROPHY, LIMB-GIRDLE, AUTOSOMAL RECESSIVE 17. Identifiers: Orphanet 254361, MedGen C3150989, MONDO:0013390, OMIM 613723.
Epidermolysis bullosa simplex with nail dystrophy (EBS5D). Identifiers: MedGen C4225309, MONDO:0014661, OMIM 616487.

Submission:

Labcorp Genetics (formerly Invitae), Labcorp
Classification: Uncertain significance for Autosomal recessive limb-girdle muscular dystrophy type 2Q; Epidermolysis bullosa simplex, Ogna type; Epidermolysis bullosa simplex with nail dystrophy; Epidermolysis bullosa simplex 5C, with pyloric atresia; Epidermolysis bullosa simplex 5B, with muscular dystrophy. Last evaluated: 2022-08-23. Review status: criteria provided, single submitter. Criteria: Invitae Variant Classification Sherloc (09022015). Collection method: clinical testing. Allele origin: germline.
Comment: In summary, the available evidence is currently insufficient to determine the role of this variant in disease. Therefore, it has been classified as a Variant of Uncertain Significance. Algorithms developed to predict the effect of missense changes on protein structure and function (SIFT, PolyPhen-2, Align-GVGD) all suggest that this variant is likely to be disruptive. ClinVar contains an entry for this variant (Variation ID: 1000844). This variant has not been reported in the literature in individuals affected with PLEC-related conditions. This variant is not present in population databases (gnomAD no frequency). This sequence change replaces leucine, which is neutral and non-polar, with valine, which is neutral and non-polar, at codon 4254 of the PLEC protein (p.Leu4254Val).

NM_201384.3(PLEC):c.12679C>G (p.Leu4227Val)

Gene: PLEC (plectin; minus strand). Cytogenetic location: 8q24.3.
Variant type: single nucleotide variant.
Coding change: c.12679C>G on transcript NM_201384.3 (MANE Select); coding-DNA position 12679, C replaced by G.
Protein change: p.Leu4227Val; replaces leucine 4227 with valine.
Molecular consequence: missense variant.
Genome position (GRCh38, 1-based): chr8:143,917,142, G>C on the plus strand (C>G on the coding strand, the complement: PLEC is on the minus strand). VCF-style: chr8-143917142-G-C. GRCh37 (hg19) VCF-style: chr8-144991310-G-C.
Other names: c.12760C>G, p.Leu4254Val (NM_000445.5); c.12637C>G, p.Leu4213Val (NM_201378.4); c.12613C>G, p.Leu4205Val (NM_201379.3); c.13090C>G, p.Leu4364Val (NM_201380.4); c.12583C>G, p.Leu4195Val (NM_201381.3); c.12679C>G, p.Leu4227Val (NM_201382.4); c.12691C>G, p.Leu4231Val (NM_201383.3); short protein forms L4195V, L4205V, L4213V, L4227V, L4231V, L4254V, L4364V.
Identifiers: ClinVar variation 1000844 (VCV001000844.12), dbSNP rs782010335, ClinGen allele CA372479724.